The following is an entry in ClinVar:

NM_152743.4(BRAT1):c.2455G>A (p.Asp819Asn)

Gene: BRAT1 (BRCA1 associated ATM activator 1; minus strand). Cytogenetic location: 7p22.3.
Variant type: single nucleotide variant.
Coding change: c.2455G>A on transcript NM_152743.4 (MANE Select); coding-DNA position 2455, G replaced by A.
Protein change: p.Asp819Asn; replaces aspartic acid 819 with asparagine.
Molecular consequence: missense variant. On other transcripts: non-coding transcript variant (1).
Genome position (GRCh38, 1-based): chr7:2,538,080, C>T on the plus strand (G>A on the coding strand, the complement: BRAT1 is on the minus strand). VCF-style: chr7-2538080-C-T. GRCh37 (hg19) VCF-style: chr7-2577714-C-T.
Other names: c.2635G>A, p.Asp879Asn (NM_001350626.2); c.1930G>A, p.Asp644Asn (NM_001350627.2); c.2455G>A (NM_152743.3); short protein forms D819N, D879N, D644N.
Identifiers: ClinVar variation 1426607 (VCV001426607.7), dbSNP rs766501904, ClinGen allele CA4127356.

ClinVar aggregate classification (germline): Uncertain significance. Review status: criteria provided, multiple submitters, no conflicts (2 of 4 stars). 3 submissions from 3 submitters: Uncertain significance (3). Last evaluated 2025-10-02.

Conditions:
Neonatal-onset encephalopathy with rigidity and seizures. Also called: Lethal neonatal spasticity-epileptic encephalopathy syndrome. Identifiers: Orphanet 435845, MedGen C3281029, MONDO:0013784, OMIM 614498.

Allele frequency attached by ClinVar (database versions not stated): TOPMed 0.00001; ExAC 0.00003.
gnomAD v4.1: 15 of 1,566,462 alleles (0.00096%); highest among the groups gnomAD compares: Middle Eastern, 0.017%; no homozygotes.

Submissions (3):

Labcorp Genetics (formerly Invitae), Labcorp
Classification: Uncertain significance for Neonatal-onset encephalopathy with rigidity and seizures. Last evaluated: 2025-10-02. Review status: criteria provided, single submitter. Criteria: Invitae Variant Classification Sherloc (09022015). Collection method: clinical testing. Allele origin: germline.
Comment: This sequence change replaces aspartic acid, which is acidic and polar, with asparagine, which is neutral and polar, at codon 819 of the BRAT1 protein (p.Asp819Asn). This variant is present in population databases (rs766501904, gnomAD 0.02%). This variant has not been reported in the literature in individuals affected with BRAT1-related conditions. ClinVar contains an entry for this variant (Variation ID: 1426607). Invitae Evidence Modeling of protein sequence and biophysical properties (such as structural, functional, and spatial information, amino acid conservation, physicochemical variation, residue mobility, and thermodynamic stability) has been performed for this missense variant. However, the output from this modeling did not meet the statistical confidence thresholds required to predict the impact of this variant on BRAT1 protein function. In summary, the available evidence is currently insufficient to determine the role of this variant in disease. Therefore, it has been classified as a Variant of Uncertain Significance.

Blueprint Genetics
Classification: Uncertain significance. Last evaluated: 2020-09-11. Review status: criteria provided, single submitter. Criteria: ACMG Guidelines, 2015. Collection method: clinical testing. Allele origin: germline.

Revvity Omics, Revvity
Classification: Uncertain significance. Last evaluated: 2020-04-01. Review status: criteria provided, single submitter. Criteria: ACMG Guidelines, 2015. Collection method: clinical testing. Allele origin: germline.